The following is an entry in ClinVar:

NM_004407.4(DMP1):c.844C>T (p.Leu282Phe)

Genes: DMP1 (dentin matrix acidic phosphoprotein 1; plus strand), DMP1-AS1 (DMP1 and DSPP antisense RNA 1; minus strand). Cytogenetic location: 4q22.1.
Variant type: single nucleotide variant.
Coding change: c.844C>T on transcript NM_004407.4 (MANE Select); coding-DNA position 844, C replaced by T.
Protein change: p.Leu282Phe; replaces leucine 282 with phenylalanine.
Molecular consequence: missense variant.
Genome position (GRCh38, 1-based): chr4:87,662,622, C>T. VCF-style: chr4-87662622-C-T. GRCh37 (hg19) VCF-style: chr4-88583774-C-T.
Other names: c.796C>T, p.Leu266Phe (NM_001079911.3); short protein forms L266F, L282F.
Identifiers: ClinVar variation 2415711 (VCV002415711.6), dbSNP rs141979823, ClinGen allele CA3002102.

ClinVar aggregate classification (germline): Uncertain significance (1 of 4 stars; one submission).

Submission:

Labcorp Genetics (formerly Invitae), Labcorp
Classification: Uncertain significance. Last evaluated: 2022-02-01. Review status: criteria provided, single submitter. Criteria: Invitae Variant Classification Sherloc (09022015). Collection method: clinical testing. Allele origin: germline.
Comment: In summary, the available evidence is currently insufficient to determine the role of this variant in disease. Therefore, it has been classified as a Variant of Uncertain Significance. Algorithms developed to predict the effect of missense changes on protein structure and function output the following: SIFT: "Tolerated"; PolyPhen-2: "Benign"; Align-GVGD: "Class C0". The phenylalanine amino acid residue is found in multiple mammalian species, which suggests that this missense change does not adversely affect protein function. This variant has not been reported in the literature in individuals affected with DMP1-related conditions. This variant is present in population databases (rs141979823, gnomAD 0.008%). This sequence change replaces leucine, which is neutral and non-polar, with phenylalanine, which is neutral and non-polar, at codon 282 of the DMP1 protein (p.Leu282Phe).